The following is an entry in ClinVar:

NM_001142864.4(PIEZO1):c.4364C>T (p.Ala1455Val)

Gene: PIEZO1 (piezo type mechanosensitive ion channel component 1 (Er blood group); minus strand). Cytogenetic location: 16q24.3.
Variant type: single nucleotide variant.
Coding change: c.4364C>T on transcript NM_001142864.4 (MANE Select); coding-DNA position 4364, C replaced by T.
Protein change: p.Ala1455Val; replaces alanine 1455 with valine.
Molecular consequence: missense variant.
Genome position (GRCh38, 1-based): chr16:88,723,300, G>A on the plus strand (C>T on the coding strand, the complement: PIEZO1 is on the minus strand). VCF-style: chr16-88723300-G-A. GRCh37 (hg19) VCF-style: chr16-88789708-G-A.
Other names: c.2906C>T, p.Ala969Val (NM_014745.1); short protein forms A1455V, A969V.
Identifiers: ClinVar variation 2355185 (VCV002355185.8), dbSNP rs779308700, ClinGen allele CA8232170.

ClinVar aggregate classification (germline): Conflicting classifications of pathogenicity. Review status: criteria provided, conflicting classifications (1 of 4 stars). 4 submissions from 4 submitters: Uncertain significance (3); Benign (1). Last evaluated 2025-11-20.

Conditions:
Lymphatic malformation 6 (LMPHM6). Also called: PIEZO1-related generalized lymphatic dysplasia with non-immune hydrops fetalis; GENERALIZED LYMPHATIC DYSPLASIA OF FOTIOU; Lymphedema, hereditary, III. Identifiers: Orphanet 568062, MedGen C4225184, MONDO:0014797, OMIM 616843.
Inborn genetic diseases. Identifiers: MedGen C0950123, MeSH D030342.

Allele frequency attached by ClinVar (database versions not stated): gnomAD 0.00010; TOPMed 0.00011; ExAC 0.00012.
gnomAD v4.1: 254 of 1,539,710 alleles (0.016%); highest among the groups gnomAD compares: Non-Finnish European, 0.021%; no homozygotes.

Submissions (4):

Clinical Genomics Laboratory, Washington University in St. Louis
Classification: Uncertain significance for Lymphatic malformation 6. Last evaluated: 2025-11-20. Review status: criteria provided, single submitter. Criteria: ACMG Guidelines, 2015. Collection method: clinical testing. Allele origin: germline.
Comment: A PIEZO1 c.4364C>T (p.Ala1455Val) variant was identified at a near heterozygous allelic fraction of 47.2%, a frequency which may be consistent with it being of germline origin. The PIEZO1 c.4364C>T (p.Ala1455Val) variant, to our knowledge, has not been reported in the medical literature. This variant has been reported in the ClinVar database (Variation ID: 2355185) as a germline variant of uncertain significance by two submitters and benign by one submitter and is observed on 254/1,539,710 alleles in the general population (gnomAD v4.1.0). Computational predictors suggest that the variant does not impact PIEZO1 function. Due to limited information, and based on ACMG/AMP guidelines for variant interpretation (Richards S et al., PMID: 25741868), the clinical significance of this variant is uncertain at this time.

Revvity Omics, Revvity
Classification: Uncertain significance. Last evaluated: 2024-08-29. Review status: criteria provided, single submitter. Criteria: ACMG Guidelines, 2015. Collection method: clinical testing. Allele origin: germline.

Labcorp Genetics (formerly Invitae), Labcorp
Classification: Benign. Last evaluated: 2024-08-21. Review status: criteria provided, single submitter. Criteria: Invitae Variant Classification Sherloc (09022015). Collection method: clinical testing. Allele origin: germline.

Ambry Genetics
Classification: Uncertain significance for Inborn genetic diseases. Last evaluated: 2021-09-01. Review status: criteria provided, single submitter. Criteria: Ambry Variant Classification Scheme 2023. Collection method: clinical testing. Allele origin: germline.